The following is an entry in ClinVar:

NM_003079.5(SMARCE1):c.509A>G (p.Tyr170Cys)

Gene: SMARCE1 (SWI/SNF related BAF chromatin remodeling complex subunit E1; minus strand). Cytogenetic location: 17q21.2.
Variant type: single nucleotide variant.
Coding change: c.509A>G on transcript NM_003079.5 (MANE Select); coding-DNA position 509, A replaced by G.
Protein change: p.Tyr170Cys; replaces tyrosine 170 with cysteine.
Molecular consequence: missense variant.
Genome position (GRCh38, 1-based): chr17:40,635,963, T>C on the plus strand (A>G on the coding strand, the complement: SMARCE1 is on the minus strand). VCF-style: chr17-40635963-T-C. GRCh37 (hg19) VCF-style: chr17-38792215-T-C.
Other names: short protein forms Y170C.
Identifiers: ClinVar variation 532235 (VCV000532235.9), dbSNP rs1555605744, ClinGen allele CA399366295.
Genomic context (GRCh38, chr17:40,635,963, plus strand): 5'-AAACAAAACCCCACTTTTTTTCTTTTACCATCTGGATCTTCAGCAGGCTGAATGCTCATG[T>C]ACGGTTCTCCTTTCTCCATGCGAGATTGTCTCTGTCGACTTTCTTCCTCTAAAGCAGCTT-3'
Protein context (NP_003070.3, residues 160-180): RQSRMEKGEP[Tyr170Cys]MSIQPAEDPD

ClinVar aggregate classification (germline): Uncertain significance. Review status: criteria provided, multiple submitters, no conflicts (2 of 4 stars). 2 submissions from 2 submitters: Uncertain significance (2). Last evaluated 2024-12-16.

Conditions:
Familial meningioma. Also called: Meningioma, familial, susceptibility to. Identifiers: Orphanet 263662, MedGen C3551915, MONDO:0011789, OMIM 607174.
Hereditary cancer-predisposing syndrome. Also called: Hereditary neoplastic syndrome; Neoplastic Syndromes, Hereditary; Tumor predisposition; Hereditary Cancer Syndrome. Identifiers: Orphanet 140162, MedGen C0027672, MeSH D009386, MONDO:0015356.

Allele frequency attached by ClinVar (database versions not stated): gnomAD exomes below 0.00001.
gnomAD v4.1: 1 of 1,611,804 alleles (0.000062%); highest among the groups gnomAD compares: Non-Finnish European, 0.000085%; no homozygotes.

Submissions (2):

Ambry Genetics
Classification: Uncertain significance for Hereditary cancer-predisposing syndrome. Last evaluated: 2024-12-16. Review status: criteria provided, single submitter. Criteria: Ambry Variant Classification Scheme 2023. Collection method: clinical testing. Allele origin: germline.
Comment: The p.Y170C variant (also known as c.509A>G), located in coding exon 6 of the SMARCE1 gene, results from an A to G substitution at nucleotide position 509. The tyrosine at codon 170 is replaced by cysteine, an amino acid with highly dissimilar properties. This amino acid position is conserved. In addition, the in silico prediction for this alteration is inconclusive. Based on the available evidence, the clinical significance of this variant remains unclear.

Labcorp Genetics (formerly Invitae), Labcorp
Classification: Uncertain significance for Familial meningioma. Last evaluated: 2017-11-16. Review status: criteria provided, single submitter. Criteria: Invitae Variant Classification Sherloc (09022015). Collection method: clinical testing. Allele origin: germline.
Comment: In summary, the available evidence is currently insufficient to determine the role of this variant in disease. Therefore, it has been classified as a Variant of Uncertain Significance. Algorithms developed to predict the effect of missense changes on protein structure and function do not agree on the potential impact of this missense change (SIFT: "Tolerated"; PolyPhen-2: "Possibly Damaging"; Align-GVGD: "Class C15"). This variant has not been reported in the literature in individuals with SMARCE1-related disease. This variant is not present in population databases (ExAC no frequency). This sequence change replaces tyrosine with cysteine at codon 170 of the SMARCE1 protein (p.Tyr170Cys). The tyrosine residue is highly conserved and there is a large physicochemical difference between tyrosine and cysteine.